The following is an entry in ClinVar:

NM_000271.5(NPC1):c.2200A>G (p.Ser734Gly)

Gene: NPC1 (NPC intracellular cholesterol transporter 1; minus strand). Cytogenetic location: 18q11.2.
Variant type: single nucleotide variant.
Coding change: c.2200A>G on transcript NM_000271.5 (MANE Select); coding-DNA position 2200, A replaced by G.
Protein change: p.Ser734Gly; replaces serine 734 with glycine.
Molecular consequence: missense variant.
Genome position (GRCh38, 1-based): chr18:23,543,500, T>C on the plus strand (A>G on the coding strand, the complement: NPC1 is on the minus strand). VCF-style: chr18-23543500-T-C. GRCh37 (hg19) VCF-style: chr18-21123464-T-C.
Other names: c.2200A>G (NM_000271.4); short protein forms S734G.
Identifiers: ClinVar variation 1348709 (VCV001348709.8), dbSNP rs2145394815, ClinGen allele CA401770822.

ClinVar aggregate classification (germline): Likely pathogenic. Review status: criteria provided, multiple submitters, no conflicts (2 of 4 stars). 3 submissions from 3 submitters: Likely pathogenic (3). Last evaluated 2025-08-25.

Conditions:
Niemann-Pick disease, type C1. Also called: NEUROVISCERAL STORAGE DISEASE WITH VERTICAL SUPRANUCLEAR OPHTHALMOPLEGIA; NIEMANN-PICK DISEASE WITH CHOLESTEROL ESTERIFICATION BLOCK; NIEMANN-PICK DISEASE WITHOUT SPHINGOMYELINASE DEFICIENCY; NIEMANN-PICK DISEASE, CHRONIC NEURONOPATHIC FORM; NIEMANN-PICK DISEASE, VARIANT TYPE C1. Identifiers: Orphanet 646, MedGen C3179455, MONDO:0009757, OMIM 257220.

Submissions (3):

Myriad Genetics, Inc.
Classification: Likely pathogenic for Niemann-Pick disease, type C1. Last evaluated: 2025-08-25. Review status: criteria provided, single submitter. Criteria: Myriad Autosomal Dominant, Autosomal Recessive and X-Linked Classification Criteria (2023). Collection method: clinical testing. Allele origin: unknown.
Comment: NM_000271.4(NPC1):c.2200A>G(S734G) is a missense variant classified as likely pathogenic in the context of Niemann-Pick disease type C1. S734G has been observed in cases with relevant disease (PMID: 38131230). Relevant functional assessments of this variant are available in the literature (PMID: 35190686). S734G has not been observed in referenced population frequency databases. In summary, NM_000271.4(NPC1):c.2200A>G(S734G) is a missense variant that has functional support for pathogenicity and has been observed more frequently in cases with the relevant disease than in healthy populations. Please note: this variant was assessed in the context of healthy population screening.

Natera, Inc.
Classification: Likely pathogenic for Niemann-Pick disease type C1. Last evaluated: 2024-10-03. Review status: criteria provided, single submitter. Criteria: Natera Variant Classification Schema (03/2026). Collection method: clinical testing. Allele origin: germline.
Comment: The c.2200A>G variant in NPC1 is a missense variant predicted to cause substitution of serine to glycine at amino acid 734. This variant is rare in the general population with a frequency below the threshold expected for the associated phenotype(s). This variant has been observed in one or more individuals affected with the associated recessive disease, as either homozygous or compound heterozygous with a second variant (PMID: 38131230). A different variant at the same position has been determined to be Pathogenic or Likely Pathogenic. Computational prediction algorithms indicate this variant is likely to affect gene or protein function. Given the available evidence, this variant is classified as Likely Pathogenic.

Labcorp Genetics (formerly Invitae), Labcorp
Classification: Likely pathogenic for Niemann-Pick disease, type C1. Last evaluated: 2021-10-10. Review status: criteria provided, single submitter. Criteria: Invitae Variant Classification Sherloc (09022015). Collection method: clinical testing. Allele origin: germline.
Comment: This sequence change replaces serine with glycine at codon 734 of the NPC1 protein (p.Ser734Gly). The serine residue is moderately conserved and there is a small physicochemical difference between serine and glycine. In summary, the currently available evidence indicates that the variant is pathogenic, but additional data are needed to prove that conclusively. Therefore, this variant has been classified as Likely Pathogenic. This variant disrupts the p.Ser734 amino acid residue in NPC1. Other variant(s) that disrupt this residue have been determined to be pathogenic (PMID: 12955717, 20718790, 23433426, 26666848). This suggests that this residue is clinically significant, and that variants that disrupt this residue are likely to be disease-causing. Algorithms developed to predict the effect of sequence changes on RNA splicing suggest that this variant may create or strengthen a splice site. Advanced modeling of protein sequence and biophysical properties (such as structural, functional, and spatial information, amino acid conservation, physicochemical variation, residue mobility, and thermodynamic stability) performed at Invitae indicates that this missense variant is expected to disrupt NPC1 protein function. This variant has not been reported in the literature in individuals affected with NPC1-related conditions. This variant is not present in population databases (ExAC no frequency).

Literature cited by the submitters: PubMed 35190686 (cited by Myriad Genetics, Inc.); PubMed 38131230 (cited by Myriad Genetics, Inc. and Natera, Inc.); PubMed 12955717 (cited by Labcorp Genetics (formerly Invitae), Labcorp); PubMed 20718790 (cited by Labcorp Genetics (formerly Invitae), Labcorp); PubMed 23433426 (cited by Labcorp Genetics (formerly Invitae), Labcorp); PubMed 26666848 (cited by Labcorp Genetics (formerly Invitae), Labcorp).